The following is an entry in ClinVar:

ClinVar aggregate classification (germline): Conflicting classifications of pathogenicity. Review status: criteria provided, conflicting classifications (1 of 4 stars). 2 submissions from 2 submitters: Uncertain significance (1); Likely benign (1). Last evaluated 2025-04-12.

Conditions:
Inborn genetic diseases. Identifiers: MedGen C0950123, MeSH D030342.

gnomAD v4.1: 8 of 1,614,030 alleles (0.0005%); highest among the groups gnomAD compares: African/African-American, 0.0093%; no homozygotes.

Submissions (2):

Ambry Genetics
Classification: Likely benign for Inborn genetic diseases. Last evaluated: 2025-04-12. Review status: criteria provided, single submitter. Criteria: Ambry Variant Classification Scheme 2023. Collection method: clinical testing. Allele origin: germline.

Labcorp Genetics (formerly Invitae), Labcorp
Classification: Uncertain significance. Last evaluated: 2024-09-27. Review status: criteria provided, single submitter. Criteria: Invitae Variant Classification Sherloc (09022015). Collection method: clinical testing. Allele origin: germline.
Comment: This sequence change replaces leucine, which is neutral and non-polar, with isoleucine, which is neutral and non-polar, at codon 1304 of the ASXL1 protein (p.Leu1304Ile). This variant is present in population databases (rs747267907, gnomAD 0.008%). This variant has not been reported in the literature in individuals affected with ASXL1-related conditions. An algorithm developed to predict the effect of missense changes on protein structure and function (PolyPhen-2) suggests that this variant is likely to be disruptive. In summary, the available evidence is currently insufficient to determine the role of this variant in disease. Therefore, it has been classified as a Variant of Uncertain Significance.

NM_015338.6(ASXL1):c.3910C>A (p.Leu1304Ile)

Gene: ASXL1 (ASXL transcriptional regulator 1; plus strand). Cytogenetic location: 20q11.21.
Variant type: single nucleotide variant.
Coding change: c.3910C>A on transcript NM_015338.6 (MANE Select); coding-DNA position 3910, C replaced by A.
Protein change: p.Leu1304Ile; replaces leucine 1304 with isoleucine.
Molecular consequence: missense variant.
Genome position (GRCh38, 1-based): chr20:32,436,622, C>A. VCF-style: chr20-32436622-C-A. GRCh37 (hg19) VCF-style: chr20-31024425-C-A.
Other names: c.3727C>A, p.Leu1243Ile (NM_001363734.1); short protein forms L1243I, L1304I.
Identifiers: ClinVar variation 2991813 (VCV002991813.5), dbSNP rs747267907, ClinGen allele CA9808923.
Genomic context (GRCh38, chr20:32,436,622, plus strand): 5'-CCAGAGCAGACAGGTCGGGCCCTGGGTGATCAGAGCAATGTTACAGGCCAAGGGAAGAAG[C>A]TTTTTGGCTCTGGGAATGTGGCTGCAACCCTTCAGCGCCCCAGGCCTGCGGACCCGATGC-3'
Protein context (NP_056153.2, residues 1294-1314): QSNVTGQGKK[Leu1304Ile]FGSGNVAATL